The following is an entry in ClinVar:

ClinVar aggregate classification (germline): Uncertain significance (1 of 4 stars; one submission).

gnomAD v4.1: 1 of 1,599,736 alleles (0.000063%); no homozygotes.

Submission:

GeneDx
Classification: Uncertain significance. Last evaluated: 2023-04-06. Review status: criteria provided, single submitter. Criteria: GeneDx Variant Classification Process June 2021. Collection method: clinical testing. Allele origin: germline. Affected: yes.
Comment: Not observed at significant frequency in large population cohorts (gnomAD); In silico analysis supports that this missense variant does not alter protein structure/function; Has not been previously published as pathogenic or benign to our knowledge

NM_005257.6(GATA6):c.66C>A (p.Ser22Arg)

Gene: GATA6 (GATA binding protein 6; plus strand). Cytogenetic location: 18q11.2.
Variant type: single nucleotide variant.
Coding change: c.66C>A on transcript NM_005257.6 (MANE Select); coding-DNA position 66, C replaced by A.
Protein change: p.Ser22Arg; replaces serine 22 with arginine.
Molecular consequence: missense variant.
Genome position (GRCh38, 1-based): chr18:22,171,210, C>A. VCF-style: chr18-22171210-C-A. GRCh37 (hg19) VCF-style: chr18-19751171-C-A.
Other names: short protein forms S22R.
Identifiers: ClinVar variation 2662506 (VCV002662506.1), dbSNP rs1266267498, ClinGen allele CA401798497.